The following is an entry in ClinVar:

NM_194248.3(OTOF):c.2266C>A (p.Pro756Thr)

Genes: OTOF (otoferlin; minus strand), LOC129933334 (ATAC-STARR-seq lymphoblastoid active region 15473; plus strand). Cytogenetic location: 2p23.3.
Variant type: single nucleotide variant.
Coding change: c.2266C>A on transcript NM_194248.3 (MANE Select); coding-DNA position 2266, C replaced by A.
Protein change: p.Pro756Thr; replaces proline 756 with threonine.
Molecular consequence: missense variant.
Genome position (GRCh38, 1-based): chr2:26,477,698, G>T on the plus strand (C>A on the coding strand, the complement: OTOF is on the minus strand). VCF-style: chr2-26477698-G-T. GRCh37 (hg19) VCF-style: chr2-26700566-G-T.
Other names: c.2266C>A, p.Pro756Thr (NM_001287489.2); c.25C>A, p.Pro9Thr (NM_004802.4, NM_194323.3); c.196C>A, p.Pro66Thr (NM_194322.3); short protein forms P756T, P9T, P66T.
Identifiers: ClinVar variation 1955006 (VCV001955006.4), dbSNP rs752514163, ClinGen allele CA1563989.

ClinVar aggregate classification (germline): Uncertain significance (1 of 4 stars; one submission).

Allele frequency attached by ClinVar (database versions not stated): gnomAD 0.00001; gnomAD exomes 0.00001; ExAC 0.00002.
gnomAD v4.1: 11 of 1,612,532 alleles (0.00068%); highest among the groups gnomAD compares: Non-Finnish European, 0.00093%; no homozygotes.

Submission:

Labcorp Genetics (formerly Invitae), Labcorp
Classification: Uncertain significance. Last evaluated: 2021-12-27. Review status: criteria provided, single submitter. Criteria: Invitae Variant Classification Sherloc (09022015). Collection method: clinical testing. Allele origin: germline.
Comment: This sequence change replaces proline, which is neutral and non-polar, with threonine, which is neutral and polar, at codon 756 of the OTOF protein (p.Pro756Thr). This variant is present in population databases (rs752514163, gnomAD 0.002%). This variant has not been reported in the literature in individuals affected with OTOF-related conditions. Algorithms developed to predict the effect of missense changes on protein structure and function (SIFT, PolyPhen-2, Align-GVGD) all suggest that this variant is likely to be disruptive. In summary, the available evidence is currently insufficient to determine the role of this variant in disease. Therefore, it has been classified as a Variant of Uncertain Significance.